The following is an entry in ClinVar:

ClinVar aggregate classification (germline): Benign/Likely benign. Review status: criteria provided, multiple submitters, no conflicts (2 of 4 stars). 5 submissions from 5 submitters: Benign (4); Likely benign (1). Last evaluated 2026-02-01.

Conditions:
Connective tissue disorder. Also called: Connective tissue disease. Identifiers: MedGen C0009782, MONDO:0003900.
Congenital contractural arachnodactyly (CCA). Also called: BEALS SYNDROME; Beals-Hecht syndrome; Arthrogryposis, distal, type 9. Identifiers: Orphanet 115, MedGen C0220668, MONDO:0007363, OMIM 121050.

Allele frequency attached by ClinVar (database versions not stated): ESP Exome Variant Server 0.00054; TOPMed 0.00062; gnomAD 0.00064 and 0.00068; ExAC 0.00072; gnomAD exomes 0.00098.
gnomAD v4.1: 936 of 1,569,904 alleles (0.06%); highest among the groups gnomAD compares: Middle Eastern, 0.05%; 8 homozygotes.

Submissions (5):

Labcorp Genetics (formerly Invitae), Labcorp
Classification: Benign for Congenital contractural arachnodactyly. Last evaluated: 2026-02-01. Review status: criteria provided, single submitter. Criteria: Invitae Variant Classification Sherloc (09022015). Collection method: clinical testing. Allele origin: germline.

Women's Health and Genetics/Laboratory Corporation of America, LabCorp
Classification: Benign. Last evaluated: 2023-12-10. Review status: criteria provided, single submitter. Criteria: LabCorp Variant Classification Summary - May 2015. Collection method: clinical testing. Allele origin: germline.

ARUP Laboratories, Molecular Genetics and Genomics, ARUP Laboratories
Classification: Benign. Last evaluated: 2019-05-03. Review status: criteria provided, single submitter. Criteria: ARUP Molecular Germline Variant Investigation Process. Collection method: clinical testing. Allele origin: germline.

Center for Human Genetics, Inc
Classification: Likely benign for Connective tissue disorder. Last evaluated: 2018-06-01. Review status: criteria provided, single submitter. Criteria: ACMG Guidelines, 2015. Collection method: clinical testing. Allele origin: germline. Affected: yes.

GeneDx
Classification: Benign. Last evaluated: 2013-12-21. Review status: criteria provided, single submitter. Criteria: GeneDx Variant Classification (06012015). Collection method: clinical testing. Allele origin: germline. Affected: yes.
Comment: This variant is considered likely benign or benign based on one or more of the following criteria: it is a conservative change, it occurs at a poorly conserved position in the protein, it is predicted to be benign by multiple in silico algorithms, and/or has population frequency not consistent with disease.

NM_001999.4(FBN2):c.436+16G>A

Gene: FBN2 (fibrillin 2; minus strand). Cytogenetic location: 5q23.3.
Variant type: single nucleotide variant.
Coding change: c.436+16G>A on transcript NM_001999.4 (MANE Select); 16 bases into the intron after coding-DNA position 436, G replaced by A.
Molecular consequence: intron variant.
Genome position (GRCh38, 1-based): chr5:128,530,579, C>T on the plus strand (G>A on the coding strand, the complement: FBN2 is on the minus strand). VCF-style: chr5-128530579-C-T. GRCh37 (hg19) VCF-style: chr5-127866272-C-T.
Identifiers: ClinVar variation 137360 (VCV000137360.17), dbSNP rs372098570, ClinGen allele CA290910.
Genomic context (GRCh38, chr5:128,530,579, plus strand): 5'-CACATAGAAGGACCTTTAGCATTTGCTCCAAAGCTTAAGAAAAATGCAGTGAAAAGGCCA[C>T]AAGTAAGAAACATACTTGATTTTGATCCACAGGTTGATGATATTTGCCCACTGGAACAAG-3'